The following is an entry in ClinVar:

ClinVar aggregate classification (germline): Likely benign (0 of 4 stars; one submission).

Conditions:
TTC28-related disorder. Also called: TTC28-related condition.

Allele frequency attached by ClinVar (database versions not stated): gnomAD exomes 0.00002; TOPMed 0.00002; gnomAD 0.00003; ExAC 0.00010; ESP Exome Variant Server 0.00022.
gnomAD v4.1: 45 of 1,550,510 alleles (0.0029%); highest among the groups gnomAD compares: Middle Eastern, 0.017%; no homozygotes.

Submission:

PreventionGenetics, part of Exact Sciences
Classification: Likely benign for TTC28-related condition. Last evaluated: 2020-01-08. Review status: no assertion criteria provided. Collection method: clinical testing. Allele origin: germline.
Comment: This variant is classified as likely benign based on ACMG/AMP sequence variant interpretation guidelines (Richards et al. 2015 PMID: 25741868, with internal and published modifications).

NM_001145418.2(TTC28):c.1590C>T (p.Tyr530=)

Gene: TTC28 (tetratricopeptide repeat domain 28; minus strand). Cytogenetic location: 22q12.1.
Variant type: single nucleotide variant.
Coding change: c.1590C>T on transcript NM_001145418.2 (MANE Select); coding-DNA position 1590, C replaced by T.
Protein change: p.Tyr530=; no amino-acid change (tyrosine 530 retained).
Molecular consequence: synonymous variant.
Genome position (GRCh38, 1-based): chr22:28,108,255, G>A on the plus strand (C>T on the coding strand, the complement: TTC28 is on the minus strand). VCF-style: chr22-28108255-G-A. GRCh37 (hg19) VCF-style: chr22-28504243-G-A.
Other names: c.1590C>T, p.Tyr530= (NM_001393403.1); c.1236C>T, p.Tyr412= (NM_001393404.1, NM_001393405.1).
Identifiers: ClinVar variation 3050967 (VCV003050967.2), dbSNP rs370192052, ClinGen allele CA10167475.